The following is an entry in ClinVar:

ClinVar aggregate classification (germline): Likely pathogenic (1 of 4 stars; one submission).

Conditions:
Developmental and epileptic encephalopathy 103 (DEE103). Identifiers: MedGen C5677002, MONDO:0030957, OMIM 619913.

Submission:

Institute of Human Genetics, University of Leipzig Medical Center
Classification: Likely pathogenic for Developmental and epileptic encephalopathy 103. Last evaluated: 2025-03-04. Review status: criteria provided, single submitter. Criteria: ACMG Guidelines, 2015. Collection method: clinical testing. Allele origin: unknown. Inheritance: Autosomal dominant inheritance. Affected: yes.
Comment: Criteria applied: PM1,PM2,PP2,PP3

NM_139137.4(KCNC2):c.1181T>C (p.Leu394Ser)

Gene: KCNC2 (potassium voltage-gated channel subfamily C member 2; minus strand). Cytogenetic location: 12q21.1.
Variant type: single nucleotide variant.
Coding change: c.1181T>C on transcript NM_139137.4 (MANE Select); coding-DNA position 1181, T replaced by C.
Protein change: p.Leu394Ser; replaces leucine 394 with serine.
Molecular consequence: missense variant. On other transcripts: non-coding transcript variant (1).
Genome position (GRCh38, 1-based): chr12:75,050,824, A>G on the plus strand (T>C on the coding strand, the complement: KCNC2 is on the minus strand). VCF-style: chr12-75050824-A-G. GRCh37 (hg19) VCF-style: chr12-75444604-A-G.
Other names: c.1181T>C, p.Leu394Ser (NM_001260497.2, NM_001260498.2, NM_001260499.2 and 13 more transcripts); short protein forms L394S.
Identifiers: ClinVar variation 3773727 (VCV003773727.2).